The following is an entry in ClinVar:

NM_001039570.3(KREMEN1):c.838G>A (p.Val280Ile)

Gene: KREMEN1 (kringle containing transmembrane protein 1; plus strand). Cytogenetic location: 22q12.1.
Variant type: single nucleotide variant.
Coding change: c.838G>A on transcript NM_001039570.3 (MANE Select); coding-DNA position 838, G replaced by A.
Protein change: p.Val280Ile; replaces valine 280 with isoleucine.
Molecular consequence: missense variant.
Genome position (GRCh38, 1-based): chr22:29,137,548, G>A. VCF-style: chr22-29137548-G-A. GRCh37 (hg19) VCF-style: chr22-29533536-G-A.
Other names: c.838G>A, p.Val280Ile (NM_001039571.1, NM_032045.5); short protein forms V280I.
Identifiers: ClinVar variation 2047685 (VCV002047685.5), dbSNP rs146915661, ClinGen allele CA10170100.
Genomic context (GRCh38, chr22:29,137,548, plus strand): 5'-CTATTTGACATCAGGGACTCGGCGGACATGGTGGAGCTTCTGGATGGCTACACCCACCGT[G>A]TCCTAGCCCGCTTCCACGGGAGGAGCCGCCCACCTCTGTCCTTCAACGTCTCTCTGGACT-3'
Protein context (NP_001034659.2, residues 270-290): VELLDGYTHR[Val280Ile]LARFHGRSRP

ClinVar aggregate classification (germline): Uncertain significance. Review status: criteria provided, multiple submitters, no conflicts (2 of 4 stars). 2 submissions from 2 submitters: Uncertain significance (2). Last evaluated 2024-12-02.

Conditions:
Inborn genetic diseases. Identifiers: MedGen C0950123, MeSH D030342.

Allele frequency attached by ClinVar (database versions not stated): gnomAD exomes 0.00109; gnomAD 0.00123; TOPMed 0.00150; ESP Exome Variant Server 0.00107; 1000 Genomes Project 0.00080; ExAC 0.00093; 1000 Genomes Project 30x 0.00094.
gnomAD v4.1: 1,811 of 1,613,752 alleles (0.11%); highest among the groups gnomAD compares: Middle Eastern, 0.21%; 3 homozygotes.

Submissions (2):

Labcorp Genetics (formerly Invitae), Labcorp
Classification: Uncertain significance. Last evaluated: 2024-12-02. Review status: criteria provided, single submitter. Criteria: Invitae Variant Classification Sherloc (09022015). Collection method: clinical testing. Allele origin: germline.
Comment: This sequence change replaces valine, which is neutral and non-polar, with isoleucine, which is neutral and non-polar, at codon 280 of the KREMEN1 protein (p.Val280Ile). This variant is present in population databases (rs146915661, gnomAD 0.2%), and has an allele count higher than expected for a pathogenic variant. This variant has not been reported in the literature in individuals affected with KREMEN1-related conditions. ClinVar contains an entry for this variant (Variation ID: 2047685). Invitae Evidence Modeling of protein sequence and biophysical properties (such as structural, functional, and spatial information, amino acid conservation, physicochemical variation, residue mobility, and thermodynamic stability) indicates that this missense variant is not expected to disrupt KREMEN1 protein function with a negative predictive value of 80%. In summary, the available evidence is currently insufficient to determine the role of this variant in disease. Therefore, it has been classified as a Variant of Uncertain Significance.

Ambry Genetics
Classification: Uncertain significance for Inborn genetic diseases. Last evaluated: 2022-01-26. Review status: criteria provided, single submitter. Criteria: Ambry Variant Classification Scheme 2023. Collection method: clinical testing. Allele origin: germline.